The following is an entry in ClinVar:

NM_000202.8(IDS):c.1007-8T>G

Genes: IDS (iduronate 2-sulfatase; minus strand), LOC106050102 (IDS recombination region; plus strand). Cytogenetic location: Xq28.
Variant type: single nucleotide variant.
Coding change: c.1007-8T>G on transcript NM_000202.8 (MANE Select); 8 bases into the intron before coding-DNA position 1007, T replaced by G.
Molecular consequence: intron variant.
Genome position (GRCh38, 1-based): chrX:149,487,106, A>C on the plus strand (T>G on the coding strand, the complement: IDS is on the minus strand). VCF-style: chrX-149487106-A-C. GRCh37 (hg19) VCF-style: chrX-148568637-A-C.
Other names: c.737-8T>G (NM_001166550.4).
Identifiers: ClinVar variation 198695 (VCV000198695.6), dbSNP rs797044782, ClinGen allele CA275419.

ClinVar aggregate classification (germline): Pathogenic/Likely pathogenic. Review status: criteria provided, multiple submitters, no conflicts (2 of 4 stars). 2 submissions from 2 submitters: Pathogenic (1); Likely pathogenic (1). Last evaluated 2024-06-07.

Conditions:
Mucopolysaccharidosis, MPS-II (MPS2). Also called: Attenuated MPS (subtype; formerly known as mild MPS II); Severe MPS II; I2S deficiency; MPS 2; IDS deficiency; Sulfoiduronate sulfatase deficiency. Identifiers: Orphanet 580, Orphanet 79388, MedGen C0026705, MONDO:0010674, OMIM 309900.

Submissions (2):

Laboratory of Diagnosis and Therapy of Lysosomal Disorders, University of Padova
Classification: Likely pathogenic for Mucopolysaccharidosis, MPS-II. Last evaluated: 2024-06-07. Review status: criteria provided, single submitter. Criteria: ACMG Guidelines, 2015. Collection method: literature only. Allele origin: germline. Affected: yes. Observed: 2 variant alleles.
Comment: Absent from controls (or at low frequency) in gnomAD database (PM2_Moderate), Patient’s phenotype or family history highly specific for the disease (PP4_Strong)

Classification method: ACMG Guidelines [PMID:25741868] with modifications

Eurofins Ntd Llc (ga)
Classification: Pathogenic. Last evaluated: 2015-04-16. Review status: criteria provided, single submitter. Criteria: EGL Classification Definitions 2015. Collection method: clinical testing. Allele origin: germline. Observed: 1 variant allele, 1 hemizygote.

Literature cited by the submitters: PubMed 8111411 (cited by Laboratory of Diagnosis and Therapy of Lysosomal Disorders, University of Padova); PubMed 7887413 (cited by Laboratory of Diagnosis and Therapy of Lysosomal Disorders, University of Padova); PubMed 1303211 (cited by Eurofins Ntd Llc (ga)).